The following is an entry in ClinVar:

NM_001365536.1(SCN9A):c.5216A>G (p.Tyr1739Cys)

Genes: SCN9A (sodium voltage-gated channel alpha subunit 9; minus strand), SCN1A-AS1 (SCN1A and SCN9A antisense RNA 1; plus strand). Cytogenetic location: 2q24.3.
Variant type: single nucleotide variant.
Coding change: c.5216A>G on transcript NM_001365536.1 (MANE Select); coding-DNA position 5216, A replaced by G.
Protein change: p.Tyr1739Cys; replaces tyrosine 1739 with cysteine.
Molecular consequence: missense variant.
Genome position (GRCh38, 1-based): chr2:166,199,423, T>C on the plus strand (A>G on the coding strand, the complement: SCN9A is on the minus strand). VCF-style: chr2-166199423-T-C. GRCh37 (hg19) VCF-style: chr2-167055933-T-C.
Other names: c.5183A>G, p.Tyr1728Cys (NM_002977.4); short protein forms Y1739C, Y1728C.
Identifiers: ClinVar variation 649087 (VCV000649087.11), dbSNP rs1289136487, ClinGen allele CA349054195.

ClinVar aggregate classification (germline): Uncertain significance (1 of 4 stars; one submission).

Conditions:
Neuropathy, hereditary sensory and autonomic, type 2A (HSAN2A). Also called: WNK1-Related HSAN2 (HSAN2A); MORVAN DISEASE; NEUROPATHY, CONGENITAL SENSORY; NEUROPATHY, HEREDITARY SENSORY RADICULAR, AUTOSOMAL RECESSIVE; NEUROPATHY, HEREDITARY SENSORY, TYPE IIA; NEUROPATHY, PROGRESSIVE SENSORY, OF CHILDREN. Identifiers: Orphanet 970, MedGen C2752089, MONDO:0024309, OMIM 201300.
Generalized epilepsy with febrile seizures plus, type 7 (GEFSP7). Also called: GEFS+, TYPE 7. Identifiers: Orphanet 36387, MedGen C2751778, MONDO:0013470, OMIM 613863.

Allele frequency attached by ClinVar (database versions not stated): gnomAD exomes below 0.00001; TOPMed 0.00001.
gnomAD v4.1: 4 of 1,614,020 alleles (0.00025%); highest among the groups gnomAD compares: African/African-American, 0.0013%; no homozygotes.

Submission:

Labcorp Genetics (formerly Invitae), Labcorp
Classification: Uncertain significance for Neuropathy, hereditary sensory and autonomic, type 2A; Generalized epilepsy with febrile seizures plus, type 7. Last evaluated: 2024-12-22. Review status: criteria provided, single submitter. Criteria: Invitae Variant Classification Sherloc (09022015). Collection method: clinical testing. Allele origin: germline.
Comment: This sequence change replaces tyrosine, which is neutral and polar, with cysteine, which is neutral and slightly polar, at codon 1728 of the SCN9A protein (p.Tyr1728Cys). This variant is present in population databases (no rsID available, gnomAD 0.004%). This variant has not been reported in the literature in individuals affected with SCN9A-related conditions. ClinVar contains an entry for this variant (Variation ID: 649087). Invitae Evidence Modeling of protein sequence and biophysical properties (such as structural, functional, and spatial information, amino acid conservation, physicochemical variation, residue mobility, and thermodynamic stability) indicates that this missense variant is not expected to disrupt SCN9A protein function with a negative predictive value of 80%. In summary, the available evidence is currently insufficient to determine the role of this variant in disease. Therefore, it has been classified as a Variant of Uncertain Significance.